The following is an entry in ClinVar:

ClinVar aggregate classification (germline): Uncertain significance (1 of 4 stars; one submission).

gnomAD v4.1: 1 of 1,614,132 alleles (0.000062%); highest among the groups gnomAD compares: Non-Finnish European, 0.000085%; no homozygotes.

Submission:

GeneDx
Classification: Uncertain significance. Last evaluated: 2024-04-18. Review status: criteria provided, single submitter. Criteria: GeneDx Variant Classification Process June 2021. Collection method: clinical testing. Allele origin: germline. Affected: yes.
Comment: Not observed at significant frequency in large population cohorts (gnomAD); In silico analysis supports that this missense variant has a deleterious effect on protein structure/function; Has not been previously published as pathogenic or benign to our knowledge

NM_000146.4(FTL):c.402C>A (p.Phe134Leu)

Gene: FTL (ferritin light chain; plus strand). Cytogenetic location: 19q13.33.
Variant type: single nucleotide variant.
Coding change: c.402C>A on transcript NM_000146.4 (MANE Select); coding-DNA position 402, C replaced by A.
Protein change: p.Phe134Leu; replaces phenylalanine 134 with leucine.
Molecular consequence: missense variant.
Genome position (GRCh38, 1-based): chr19:48,966,609, C>A. VCF-style: chr19-48966609-C-A. GRCh37 (hg19) VCF-style: chr19-49469866-C-A.
Other names: short protein forms F134L.
Identifiers: ClinVar variation 3372707 (VCV003372707.1).
Genomic context (GRCh38, chr19:48,966,609, plus strand): 5'-ATTGGGTTTCTAATTTCTCCCTCTTCTCTCTCAGCTCTGTGACTTCCTGGAGACTCACTT[C>A]CTAGATGAGGAAGTGAAGCTTATCAAGAAGATGGGTGACCACCTGACCAACCTCCACAGG-3'
Protein context (NP_000137.2, residues 124-144): PHLCDFLETH[Phe134Leu]LDEEVKLIKK